The following is an entry in ClinVar:

NM_001040108.2(MLH3):c.3797_3798del (p.Thr1266fs)

Gene: MLH3 (mutL homolog 3; minus strand). Cytogenetic location: 14q24.3.
Variant type: Deletion.
Coding change: c.3797_3798del on transcript NM_001040108.2 (MANE Select); coding-DNA positions 3797 to 3798, 2 bases deleted (CA; older notation c.3797_3798delCA).
Protein change: p.Thr1266fs; shifts the reading frame from threonine 1266.
Molecular consequence: frameshift variant.
Genome position (GRCh38, 1-based): chr14:75,032,097-75,032,098, TG deleted on the plus strand (CA on the coding strand, the reverse complement: MLH3 is on the minus strand); deleting any 2 consecutive bases within chr14:75,032,097-75,032,099 gives the same sequence; the c. name uses the placement nearest the transcript's 3' end. VCF-style (leftmost placement, unchanged base first): chr14-75032096-CTG-C. GRCh37 (hg19) VCF-style: chr14-75498799-CTG-C.
Other names: c.3725_3726del, p.Thr1242fs (NM_014381.3); c.3797_3798delCA (NM_001040108.1); short protein forms T1242fs, T1266fs.
Identifiers: ClinVar variation 2563529 (VCV002563529.3), dbSNP rs2503131521, ClinGen allele CA2580613722.
Genomic context (GRCh38, chr14:75,032,096, plus strand): 5'-CATCAACATCACATTCTCATGGTGGTACTGACCATAAGAGTCTCCTTTGTTCCTCTGTCA[CTG>C]TTATCTCTAGCGGAGGAATTAGAGTAGAAGACAGTAATTTTTTCCGACCAGAGCCTTGTG-3'

ClinVar aggregate classification (germline): Pathogenic (1 of 4 stars; one submission).

Submission:

Ambry Genetics
Classification: Pathogenic. Last evaluated: 2026-06-01. Review status: criteria provided, single submitter. Criteria: Ambry Variant Classification Scheme 2023. Collection method: clinical testing. Allele origin: germline.
Comment: The c.3797_3798delCA pathogenic mutation, located in coding exon 7 of the MLH3 gene, results from a deletion of two nucleotides at nucleotide positions 3797 to 3798, causing a translational frameshift with a predicted alternate stop codon (p.T1266Sfs*22). This variant is considered to be rare based on population cohorts in the Genome Aggregation Database (gnomAD). This alteration is expected to result in loss of function by premature protein truncation or nonsense-mediated mRNA decay. As such, this alteration is interpreted as a disease-causing mutation.